The following is an entry in ClinVar:

ClinVar aggregate classification (germline): Uncertain significance (1 of 4 stars; one submission).

Conditions:
Hypertrophic cardiomyopathy. Also called: HYPERTROPHIC MYOCARDIOPATHY. Identifiers: Orphanet 217569, MedGen C0007194, MeSH D002312, MONDO:0005045, HP:0001639.

Submission:

Labcorp Genetics (formerly Invitae), Labcorp
Classification: Uncertain significance for Hypertrophic cardiomyopathy. Last evaluated: 2022-07-26. Review status: criteria provided, single submitter. Criteria: Invitae Variant Classification Sherloc (09022015). Collection method: clinical testing. Allele origin: germline.
Comment: This sequence change replaces threonine, which is neutral and polar, with asparagine, which is neutral and polar, at codon 619 of the MYH7 protein (p.Thr619Asn). This variant is not present in population databases (gnomAD no frequency). This variant has not been reported in the literature in individuals affected with MYH7-related conditions. ClinVar contains an entry for this variant (Variation ID: 1484687). Algorithms developed to predict the effect of missense changes on protein structure and function output the following: SIFT: "Tolerated"; PolyPhen-2: "Benign"; Align-GVGD: "Class C0". The asparagine amino acid residue is found in multiple mammalian species, which suggests that this missense change does not adversely affect protein function. This variant is found within a region of MYH7 between codons 181 and 937 that contains the majority of the myosin head domain. Missense variants in this region have been shown to be significantly overrepresented in individuals with hypertrophic cardiomyopathy (PMID: 27532257). In summary, the available evidence is currently insufficient to determine the role of this variant in disease. Therefore, it has been classified as a Variant of Uncertain Significance.

Literature cited by the submitters: PubMed 27532257.

NM_000257.4(MYH7):c.1856C>A (p.Thr619Asn)

Gene: MYH7 (myosin heavy chain 7; minus strand). Cytogenetic location: 14q11.2.
Variant type: single nucleotide variant.
Coding change: c.1856C>A on transcript NM_000257.4 (MANE Select); coding-DNA position 1856, C replaced by A.
Protein change: p.Thr619Asn; replaces threonine 619 with asparagine.
Molecular consequence: missense variant.
Genome position (GRCh38, 1-based): chr14:23,427,617, G>T on the plus strand (C>A on the coding strand, the complement: MYH7 is on the minus strand). VCF-style: chr14-23427617-G-T. GRCh37 (hg19) VCF-style: chr14-23896826-G-T.
Other names: short protein forms T619N.
Identifiers: ClinVar variation 1484687 (VCV001484687.6), dbSNP rs541143322, ClinGen allele CA389049674.